The following is an entry in ClinVar:

NM_015202.5(KATNIP):c.3626dup (p.Ile1210fs)

Gene: KATNIP (katanin interacting protein; plus strand). Cytogenetic location: 16p12.1.
Variant type: Duplication.
Coding change: c.3626dup on transcript NM_015202.5 (MANE Select); coding-DNA position 3626, one base duplicated (G; older notation c.3626dupG).
Protein change: p.Ile1210fs; shifts the reading frame from isoleucine 1210.
Molecular consequence: frameshift variant.
Genome position (GRCh38, 1-based): chr16:27,754,246, G duplicated; the last of 2 consecutive G bases (chr16:27,754,245-27,754,246); duplicating either gives the same sequence. VCF-style (leftmost placement, unchanged base first): chr16-27754244-C-CG. GRCh37 (hg19) VCF-style: chr16-27765565-C-CG.
Other names: short protein forms I1210fs.
Identifiers: ClinVar variation 2831377 (VCV002831377.3), dbSNP rs2543315704, ClinGen allele CA2739266701.

ClinVar aggregate classification (germline): Pathogenic (1 of 4 stars; one submission).

Submission:

Labcorp Genetics (formerly Invitae), Labcorp
Classification: Pathogenic. Last evaluated: 2023-01-25. Review status: criteria provided, single submitter. Criteria: Invitae Variant Classification Sherloc (09022015). Collection method: clinical testing. Allele origin: germline.
Comment: For these reasons, this variant has been classified as Pathogenic. This variant has not been reported in the literature in individuals affected with KIAA0556-related conditions. This variant is not present in population databases (gnomAD no frequency). This sequence change creates a premature translational stop signal (p.Ile1210Asnfs*48) in the KIAA0556 gene. It is expected to result in an absent or disrupted protein product. Loss-of-function variants in KIAA0556 are known to be pathogenic (PMID: 26714646, 27245168).

Literature cited by the submitters: PubMed 26714646; PubMed 27245168.